The following is an entry in ClinVar:

NM_000390.4(CHM):c.865A>G (p.Met289Val)

Gene: CHM (CHM Rab escort protein; minus strand). Cytogenetic location: Xq21.2.
Variant type: single nucleotide variant.
Coding change: c.865A>G on transcript NM_000390.4 (MANE Select); coding-DNA position 865, A replaced by G.
Protein change: p.Met289Val; replaces methionine 289 with valine.
Molecular consequence: missense variant.
Genome position (GRCh38, 1-based): chrX:85,957,930, T>C on the plus strand (A>G on the coding strand, the complement: CHM is on the minus strand). VCF-style: chrX-85957930-T-C. GRCh37 (hg19) VCF-style: chrX-85212935-T-C.
Other names: c.421A>G, p.Met141Val (NM_001320959.1, NM_001362517.1, NM_001362518.2 and 1 more transcripts); short protein forms M289V, M141V.
Identifiers: ClinVar variation 2168295 (VCV002168295.4), dbSNP rs139228701, ClinGen allele CA10465506.

ClinVar aggregate classification (germline): Uncertain significance. Review status: criteria provided, multiple submitters, no conflicts (2 of 4 stars). 2 submissions from 2 submitters: Uncertain significance (2). Last evaluated 2026-08-01.

Allele frequency attached by ClinVar (database versions not stated): gnomAD exomes below 0.00001; ExAC 0.00004; TOPMed 0.00004; 1000 Genomes Project 30x 0.00042; 1000 Genomes Project 0.00053.
gnomAD v4.1: 1 of 1,210,825 alleles (0.000083%); highest among the groups gnomAD compares: Admixed American, 0.0022%; no homozygotes.

Submissions (2):

CeGaT Center for Human Genetics Tuebingen
Classification: Uncertain significance. Last evaluated: 2026-08-01. Review status: criteria provided, single submitter. Criteria: CeGaT Center For Human Genetics Tuebingen Variant Classification Criteria Version 2. Collection method: clinical testing. Allele origin: germline. Affected: yes. Observed: 2 variant alleles.
Comment: CHM: PM2, BP4

Labcorp Genetics (formerly Invitae), Labcorp
Classification: Uncertain significance. Last evaluated: 2025-04-11. Review status: criteria provided, single submitter. Criteria: Invitae Variant Classification Sherloc (09022015). Collection method: clinical testing. Allele origin: germline.
Comment: This sequence change replaces methionine, which is neutral and non-polar, with valine, which is neutral and non-polar, at codon 289 of the CHM protein (p.Met289Val). This variant is present in population databases (rs139228701, gnomAD 0.008%), including at least one homozygous and/or hemizygous individual. This variant has not been reported in the literature in individuals affected with CHM-related conditions. ClinVar contains an entry for this variant (Variation ID: 2168295). Invitae Evidence Modeling of protein sequence and biophysical properties (such as structural, functional, and spatial information, amino acid conservation, physicochemical variation, residue mobility, and thermodynamic stability) indicates that this missense variant is not expected to disrupt CHM protein function with a negative predictive value of 80%. In summary, the available evidence is currently insufficient to determine the role of this variant in disease. Therefore, it has been classified as a Variant of Uncertain Significance.